The following is an entry in ClinVar:

NM_001267550.2(TTN):c.98164del (p.Ile32722fs)

Genes: TTN-AS1 (TTN antisense RNA 1; plus strand), TTN (titin; minus strand). Cytogenetic location: 2q31.2.
Variant type: Deletion.
Coding change: c.98164del on transcript NM_001267550.2 (MANE Select); coding-DNA position 98164, one base deleted (A; older notation c.98164delA).
Protein change: p.Ile32722fs; shifts the reading frame from isoleucine 32722.
Molecular consequence: frameshift variant.
Genome position (GRCh38, 1-based): chr2:178,539,901, T deleted on the plus strand (A on the coding strand, the reverse complement: TTN is on the minus strand). VCF-style (leftmost placement, unchanged base first): chr2-178539900-AT-A. GRCh37 (hg19) VCF-style: chr2-179404627-AT-A.
Other names: c.93241del, p.Ile31081fs (NM_001256850.1); c.70969del, p.Ile23657fs (NM_003319.4); c.90460del, p.Ile30154fs (NM_133378.4); c.71344del, p.Ile23782fs (NM_133432.3); c.71545del, p.Ile23849fs (NM_133437.4); short protein forms I23657fs, I23782fs, I32722fs, I23849fs, I31081fs, I30154fs.
Identifiers: ClinVar variation 2949845 (VCV002949845.3), dbSNP rs2468780745, ClinGen allele CA2740095957.
Genomic context (GRCh38, chr2:178,539,900, plus strand): 5'-CCTTCCTTGGTCCATTTACATATTGGGAATGGTTTTCCTTTGATTGGTATGGTAAGTCTG[AT>A]GACGCCACCTTGCCTTACAAAGATACCTTCTTGGTATCTTTCATCAAGTTCATAATCAGG-3'

ClinVar aggregate classification (germline): Likely pathogenic (1 of 4 stars; one submission).

Conditions:
Dilated cardiomyopathy 1G (CMD1G). Identifiers: Orphanet 154, MedGen C1858763, MONDO:0011400, OMIM 604145.
Autosomal recessive limb-girdle muscular dystrophy type 2J (LGMDR10). Also called: Limb-girdle muscular dystrophy, type 2J; MUSCULAR DYSTROPHY, LIMB-GIRDLE, AUTOSOMAL RECESSIVE 10. Identifiers: Orphanet 140922, MedGen C1837342, MONDO:0012127, OMIM 608807.

Submission:

Labcorp Genetics (formerly Invitae), Labcorp
Classification: Likely pathogenic for Dilated cardiomyopathy 1G; Autosomal recessive limb-girdle muscular dystrophy type 2J. Last evaluated: 2023-09-08. Review status: criteria provided, single submitter. Criteria: Invitae Variant Classification Sherloc (09022015). Collection method: clinical testing. Allele origin: germline.
Comment: In summary, the currently available evidence indicates that the variant is pathogenic, but additional data are needed to prove that conclusively. Therefore, this variant has been classified as Likely Pathogenic. This variant is located in the A band of TTN (PMID: 25589632). Truncating variants in this region are significantly overrepresented in patients affected with dilated cardiomyopathy (PMID: 25589632). Truncating variants in this region have also been reported in individuals affected with autosomal recessive centronuclear myopathy (PMID: 23975875). This variant has not been reported in the literature in individuals affected with TTN-related conditions. This variant is not present in population databases (gnomAD no frequency). This sequence change creates a premature translational stop signal (p.Ile32722Serfs*29) in the TTN gene. While this is not anticipated to result in nonsense mediated decay, it is expected to create a truncated TTN protein.

Literature cited by the submitters: PubMed 25589632; PubMed 23975875.